The following is an entry in ClinVar:

ClinVar aggregate classification (germline): Uncertain significance. Review status: criteria provided, multiple submitters, no conflicts (2 of 4 stars). 2 submissions from 2 submitters: Uncertain significance (2). Last evaluated 2026-01-28.

Conditions:
Myofibrillar myopathy 6. Identifiers: Orphanet 199340, MedGen C2751831, MONDO:0013061, OMIM 612954.
Dilated cardiomyopathy 1HH (CMD1HH). Identifiers: Orphanet 154, MedGen C3151293, MONDO:0013479, OMIM 613881.

Allele frequency attached by ClinVar (database versions not stated): TOPMed below 0.00001.

Submissions (2):

GeneDx
Classification: Uncertain significance. Last evaluated: 2026-01-28. Review status: criteria provided, single submitter. Criteria: GeneDx Variant Classification Process June 2021. Collection method: clinical testing. Allele origin: germline.
Comment: Not observed at significant frequency in large population cohorts (gnomAD); In silico analysis supports that this missense variant has a deleterious effect on protein structure/function; Has not been previously published as pathogenic or benign to our knowledge

Labcorp Genetics (formerly Invitae), Labcorp
Classification: Uncertain significance for Dilated cardiomyopathy 1HH; Myofibrillar myopathy 6. Last evaluated: 2024-05-28. Review status: criteria provided, single submitter. Criteria: Invitae Variant Classification Sherloc (09022015). Collection method: clinical testing. Allele origin: germline.
Comment: This sequence change replaces serine, which is neutral and polar, with phenylalanine, which is neutral and non-polar, at codon 70 of the BAG3 protein (p.Ser70Phe). This variant is not present in population databases (gnomAD no frequency). This variant has not been reported in the literature in individuals affected with BAG3-related conditions. ClinVar contains an entry for this variant (Variation ID: 1476094). Advanced modeling of protein sequence and biophysical properties (such as structural, functional, and spatial information, amino acid conservation, physicochemical variation, residue mobility, and thermodynamic stability) has been performed at Invitae for this missense variant, however the output from this modeling did not meet the statistical confidence thresholds required to predict the impact of this variant on BAG3 protein function. In summary, the available evidence is currently insufficient to determine the role of this variant in disease. Therefore, it has been classified as a Variant of Uncertain Significance.

NM_004281.4(BAG3):c.209C>T (p.Ser70Phe)

Gene: BAG3 (BAG cochaperone 3; plus strand). Cytogenetic location: 10q26.11.
Variant type: single nucleotide variant.
Coding change: c.209C>T on transcript NM_004281.4 (MANE Select); coding-DNA position 209, C replaced by T.
Protein change: p.Ser70Phe; replaces serine 70 with phenylalanine.
Molecular consequence: missense variant.
Genome position (GRCh38, 1-based): chr10:119,669,879, C>T. VCF-style: chr10-119669879-C-T. GRCh37 (hg19) VCF-style: chr10-121429391-C-T.
Other names: c.209C>T (NM_004281.3); short protein forms S70F.
Identifiers: ClinVar variation 1476094 (VCV001476094.7), dbSNP rs1847119887, ClinGen allele CA378294650.
Genomic context (GRCh38, chr10:119,669,879, plus strand): 5'-ACCAGCCTGTGTTTCTCCACTTTTTATTTCAGGAGACTCCATCCTCTGCCAATGGCCCTT[C>T]CCGGGAGGGCTCTAGGCTGCCGCCTGCTAGGGAAGGCCACCCTGTGTACCCCCAGCTCCG-3'
Protein context (NP_004272.2, residues 60-80): KETPSSANGP[Ser70Phe]REGSRLPPAR